The following is an entry in ClinVar:

NM_025215.5(PUS1):c.-670A>C

Genes: PUS1 (pseudouridine synthase 1; plus strand), LOC130009239 (ATAC-STARR-seq lymphoblastoid silent region 5106; plus strand). Cytogenetic location: 12q24.33.
Variant type: single nucleotide variant.
Coding change: c.-670A>C on transcript NM_025215.5; 670 bases upstream of the start codon, A replaced by C.
Genome position (GRCh38, 1-based): chr12:131,929,053, A>C. VCF-style: chr12-131929053-A-C. GRCh37 (hg19) VCF-style: chr12-132413598-A-C.
Identifiers: ClinVar variation 676197 (VCV000676197.3), dbSNP rs78255464, ClinGen allele CA246181111.

ClinVar aggregate classification (germline): Benign (1 of 4 stars; one submission).

Allele frequency attached by ClinVar (database versions not stated): gnomAD 0.16092; 1000 Genomes Project 0.19309; gnomAD exomes 0.08197; TOPMed 0.17089; 1000 Genomes Project 30x 0.18660.

Submission:

GeneDx
Classification: Benign. Last evaluated: 2018-06-14. Review status: criteria provided, single submitter. Criteria: GeneDx Variant Classification (06012015). Collection method: clinical testing. Allele origin: germline. Affected: yes.
Comment: This variant is considered likely benign or benign based on one or more of the following criteria: it is a conservative change, it occurs at a poorly conserved position in the protein, it is predicted to be benign by multiple in silico algorithms, and/or has population frequency not consistent with disease.